The following is an entry in ClinVar:

NM_001162501.2(TNRC6B):c.3811C>T (p.Gln1271Ter)

Gene: TNRC6B (trinucleotide repeat containing adaptor 6B; plus strand). Cytogenetic location: 22q13.1.
Variant type: single nucleotide variant.
Coding change: c.3811C>T on transcript NM_001162501.2 (MANE Select); coding-DNA position 3811, C replaced by T.
Protein change: p.Gln1271Ter; replaces glutamine 1271 with a stop codon.
Molecular consequence: nonsense.
Genome position (GRCh38, 1-based): chr22:40,300,557, C>T. VCF-style: chr22-40300557-C-T. GRCh37 (hg19) VCF-style: chr22-40696561-C-T.
Other names: c.1399C>T, p.Gln467Ter (NM_001024843.2); c.3481C>T, p.Gln1161Ter (NM_015088.3); short protein forms Q1161*, Q1271*, Q467*.
Identifiers: ClinVar variation 985346 (VCV000985346.4), dbSNP rs2071009325, ClinGen allele CA411660449.

ClinVar aggregate classification (germline): Pathogenic (1 of 4 stars; one submission).

Conditions:
Inborn genetic diseases. Identifiers: MedGen C0950123, MeSH D030342.

Allele frequency attached by ClinVar (database versions not stated): gnomAD exomes below 0.00001.
gnomAD v4.1: 1 of 1,612,976 alleles (0.000062%); no homozygotes.

Submission:

Ambry Genetics
Classification: Pathogenic for Inborn genetic diseases. Last evaluated: 2021-01-15. Review status: criteria provided, single submitter. Criteria: Ambry Variant Classification Scheme 2023. Collection method: clinical testing. Allele origin: germline.
Comment: The c.3811C>T (p.Q1271*) alteration, located in coding exon 13 of the TNRC6B gene, consists of a C to T substitution at nucleotide position 3811. This changes the amino acid from a glutamine (Q) to a stop codon at amino acid position 1271. This alteration is expected to result in loss of function by premature protein truncation or nonsense-mediated mRNA decay. Based on data from the Genome Aggregation Database (gnomAD), the TNRC6B c.3811C>T alteration was not observed, with coverage at this position. Based on the available evidence, this alteration is classified as pathogenic.